The following is an entry in ClinVar:

ClinVar aggregate classification (germline): Uncertain significance (1 of 4 stars; one submission).

Allele frequency attached by ClinVar (database versions not stated): ExAC 0.00002; gnomAD 0.00003; ESP Exome Variant Server 0.00008.
gnomAD v4.1: 32 of 1,613,832 alleles (0.002%); highest among the groups gnomAD compares: African/African-American, 0.0027%; no homozygotes.

Submission:

Labcorp Genetics (formerly Invitae), Labcorp
Classification: Uncertain significance. Last evaluated: 2023-04-29. Review status: criteria provided, single submitter. Criteria: Invitae Variant Classification Sherloc (09022015). Collection method: clinical testing. Allele origin: germline.
Comment: In summary, the available evidence is currently insufficient to determine the role of this variant in disease. Therefore, it has been classified as a Variant of Uncertain Significance. Experimental studies and prediction algorithms are not available or were not evaluated, and the functional significance of this variant is currently unknown. This variant has not been reported in the literature in individuals affected with TERF2IP-related conditions. This variant is present in population databases (rs150990220, gnomAD 0.01%). This sequence change creates a premature translational stop signal (p.Ser291*) in the TERF2IP gene. While this is not anticipated to result in nonsense mediated decay, it is expected to disrupt the last 109 amino acid(s) of the TERF2IP protein.

NM_018975.4(TERF2IP):c.872C>G (p.Ser291Ter)

Gene: TERF2IP (TERF2 interacting protein; plus strand). Cytogenetic location: 16q23.1.
Variant type: single nucleotide variant.
Coding change: c.872C>G on transcript NM_018975.4 (MANE Select); coding-DNA position 872, C replaced by G.
Protein change: p.Ser291Ter; replaces serine 291 with a stop codon.
Molecular consequence: nonsense. On other transcripts: non-coding transcript variant (1).
Genome position (GRCh38, 1-based): chr16:75,656,283, C>G. VCF-style: chr16-75656283-C-G. GRCh37 (hg19) VCF-style: chr16-75690181-C-G.
Other names: short protein forms S291*.
Identifiers: ClinVar variation 2797086 (VCV002797086.3), dbSNP rs150990220, ClinGen allele CA8178118.
Genomic context (GRCh38, chr16:75,656,283, plus strand): 5'-CTGATTTTGAAATACATATAACTATGTGTGATGATGATCCACCCACACCTGAGGAAGACT[C>G]AGAAACACAGCCTGATGAGGAGGAAGAAGAAGAAGAAGAAAAAGTTTCTCAACCAGAGGT-3'